The following is an entry in ClinVar:

ClinVar aggregate classification (germline): Pathogenic (1 of 4 stars; one submission).

Conditions:
Fanconi anemia (FA). Also called: Fanconi's anemia. Identifiers: Orphanet 84, MedGen C0015625, MeSH D005199, MONDO:0019391.

Submission:

Labcorp Genetics (formerly Invitae), Labcorp
Classification: Pathogenic for Fanconi anemia. Last evaluated: 2021-09-26. Review status: criteria provided, single submitter. Criteria: Invitae Variant Classification Sherloc (09022015). Collection method: clinical testing. Allele origin: germline.
Comment: This variant is a gross deletion of the genomic region encompassing exon(s) 30-31 of the FANCA gene. This deletion is out-of-frame, and is expected to create a premature termination codon and result in an absent or disrupted protein product. Loss-of-function variants in FANCA are known to be pathogenic (PMID: 19367192). A similar copy number variant has been observed in individuals with Fanconi anemia (PMID: 29098742, 30792206). For these reasons, this variant has been classified as Pathogenic.

Literature cited by the submitters: PubMed 19367192; PubMed 29098742; PubMed 30792206.

NC_000016.9:g.(?_89818536)_(89825128_?)del

Gene: FANCA (FA complementation group A; minus strand). Cytogenetic location: 16q24.3.
Variant type: Deletion.
Identifiers: ClinVar variation 1459918 (VCV001459918.3).